The following is an entry in ClinVar:

ClinVar aggregate classification (germline): Uncertain significance. Review status: criteria provided, multiple submitters, no conflicts (2 of 4 stars). 2 submissions from 2 submitters: Uncertain significance (2). Last evaluated 2024-05-02.

Conditions:
Hyper-IgE recurrent infection syndrome 3, autosomal recessive. Also called: Autosomal recessive hyper-IgE syndrome due to ZNF341 deficiency; HYPER-IgE SYNDROME 3, AUTOSOMAL RECESSIVE, WITH RECURRENT INFECTIONS. Identifiers: Orphanet 641368, MedGen C4748969, MONDO:0032654, OMIM 618282.

Allele frequency attached by ClinVar (database versions not stated): gnomAD 0.00004; gnomAD exomes 0.00004 and 0.00002; TOPMed 0.00004; 1000 Genomes Project 30x 0.00016; 1000 Genomes Project 0.00020; ExAC 0.00002.
gnomAD v4.1: 69 of 1,614,060 alleles (0.0043%); highest among the groups gnomAD compares: Non-Finnish European, 0.0053%; no homozygotes.

Submissions (2):

Mayo Clinic Laboratories, Mayo Clinic
Classification: Uncertain significance. Last evaluated: 2024-05-02. Review status: criteria provided, single submitter. Criteria: ACMG Guidelines, 2015. Collection method: clinical testing. Allele origin: germline. Observed: 1 variant allele.

Labcorp Genetics (formerly Invitae), Labcorp
Classification: Uncertain significance for Combined immunodeficiency due to DOCK8 deficiency. Last evaluated: 2022-08-31. Review status: criteria provided, single submitter. Criteria: Invitae Variant Classification Sherloc (09022015). Collection method: clinical testing. Allele origin: germline.
Comment: In summary, the available evidence is currently insufficient to determine the role of this variant in disease. Therefore, it has been classified as a Variant of Uncertain Significance. Algorithms developed to predict the effect of sequence changes on RNA splicing suggest that this variant may create or strengthen a splice site. Algorithms developed to predict the effect of missense changes on protein structure and function (SIFT, PolyPhen-2, Align-GVGD) all suggest that this variant is likely to be tolerated. ClinVar contains an entry for this variant (Variation ID: 837007). This variant has not been reported in the literature in individuals affected with DOCK8-related conditions. This variant is present in population databases (rs564090348, gnomAD 0.005%). This sequence change replaces arginine, which is basic and polar, with glutamine, which is neutral and polar, at codon 537 of the DOCK8 protein (p.Arg537Gln).

NM_203447.4(DOCK8):c.1610G>A (p.Arg537Gln)

Gene: DOCK8 (dedicator of cytokinesis 8; plus strand). Cytogenetic location: 9p24.3.
Variant type: single nucleotide variant.
Coding change: c.1610G>A on transcript NM_203447.4 (MANE Select); coding-DNA position 1610, G replaced by A.
Protein change: p.Arg537Gln; replaces arginine 537 with glutamine.
Molecular consequence: missense variant.
Genome position (GRCh38, 1-based): chr9:340,252, G>A. VCF-style: chr9-340252-G-A. GRCh37 (hg19) VCF-style: chr9-340252-G-A.
Other names: p.Arg537Gln; c.1406G>A, p.Arg469Gln (NM_001190458.2, NM_001193536.2); short protein forms R469Q, R537Q.
Identifiers: ClinVar variation 837007 (VCV000837007.9), dbSNP rs564090348, ClinGen allele CA4957801.